The following is an entry in ClinVar:

NM_000497.4(CYP11B1):c.517AAG[2] (p.Lys175del)

Genes: CYP11B1 (cytochrome P450 family 11 subfamily B member 1; minus strand), LOC106799833 (CYP11B1 recombination region; plus strand). Cytogenetic location: 8q24.3.
Variant type: Microsatellite.
Coding change: c.517AAG[2] on transcript NM_000497.4 (MANE Select); two copies in a row of the 3-base unit AAG starting at c.517; the reference has three copies in a row; one copy, 3 bases deleted; also written c.523_525del.
Protein change: p.Lys175del; deletes lysine 175.
Molecular consequence: inframe deletion.
Genome position (GRCh38, 1-based): chr8:142,877,093-142,877,095, CTT deleted on the plus strand (AAG on the coding strand, the reverse complement: CYP11B1 is on the minus strand); deleting any 3 consecutive bases within chr8:142,877,093-142,877,102 gives the same sequence; the position shown is the placement nearest the transcript's 3' end. VCF-style (leftmost placement, unchanged base first): chr8-142877092-CCTT-C. GRCh37 (hg19) VCF-style: chr8-143958508-CCTT-C.
Other names: c.523_525del (NM_000497.4); c.517AAG[2], p.Lys175del (NM_001026213.1); c.523_525delAAG (NM_000497.3, NM_000497.4); short protein forms K175del.
Identifiers: ClinVar variation 550085 (VCV000550085.6), dbSNP rs535861895, ClinGen allele CA4905416.
Genomic context (GRCh38, chr8:142,877,092, plus strand): 5'-TGTAGTGGAAGATGCTGGGCTGGACGTCCAGGGTCAGGCTCCCCCGGGCGTTCTGCAGCA[CCTT>C]CTTCTTCAGGGCCTGGGAGAAGTCCCTGGCCACTGCATCCACCATCGGGAGGAACCTCTG-3'

ClinVar aggregate classification (germline): Uncertain significance. Review status: criteria provided, multiple submitters, no conflicts (2 of 4 stars). 4 submissions from 4 submitters: Uncertain significance (3). 1 of the submissions does not count toward it. Last evaluated 2025-12-24.

Conditions:
Deficiency of steroid 11-beta-monooxygenase (CYP11B1). Also called: ADRENAL HYPERPLASIA IV; ADRENAL HYPERPLASIA, CONGENITAL, DUE TO STEROID 11-BETA-HYDROXYLASE DEFICIENCY; 11-BETA-HYDROXYLASE DEFICIENCY; P450C11B1 DEFICIENCY; STEROID 11-BETA-HYDROXYLASE DEFICIENCY; Congenital adrenal hyperplasia due to 11-beta-hydroxylase deficiency. Identifiers: Orphanet 90795, MedGen C0268292, MONDO:0008729, OMIM 202010. Disease mechanism: loss of function.
Glucocorticoid-remediable aldosteronism. Also called: FH I; GLUCOCORTICOID-SUPPRESSIBLE HYPERALDOSTERONISM; ACTH-DEPENDENT HYPERALDOSTERONISM SYNDROME; ALDOSTERONISM, SENSITIVE TO DEXAMETHASONE; Hyperaldosteronism, familial, type I. Identifiers: Orphanet 403, MedGen C3838731, MONDO:0007080, OMIM 103900.

Submissions (4):

Women's Health and Genetics/Laboratory Corporation of America, LabCorp
Classification: Uncertain significance. Last evaluated: 2025-12-24. Review status: criteria provided, single submitter. Criteria: LabCorp Variant Classification Summary - May 2015. Collection method: clinical testing. Allele origin: germline.
Comment: Variant summary: CYP11B1 c.523_525delAAG (p.Lys175del) results in an in-frame deletion that is predicted to remove one amino acid from the encoded protein. The variant allele was found at a frequency of 0.00011 in 250514 control chromosomes. This frequency is not significantly higher than estimated for disease-causing variants in CYP11B1, allowing no conclusion about variant significance. To our knowledge, no occurrence of c.523_525delAAG in individuals affected with CYP11B1-related conditions and no experimental evidence demonstrating its impact on protein function have been reported. ClinVar contains an entry for this variant (Variation ID: 550085). Based on the evidence outlined above, the variant was classified as uncertain significance.

Labcorp Genetics (formerly Invitae), Labcorp
Classification: Uncertain significance. Last evaluated: 2024-12-26. Review status: criteria provided, single submitter. Criteria: Invitae Variant Classification Sherloc (09022015). Collection method: clinical testing. Allele origin: germline.
Comment: This variant, c.523_525del, results in the deletion of 1 amino acid(s) of the CYP11B1 protein (p.Lys175del), but otherwise preserves the integrity of the reading frame. This variant is present in population databases (rs535861895, gnomAD 0.1%). This variant has not been reported in the literature in individuals affected with CYP11B1-related conditions. Experimental studies and prediction algorithms are not available or were not evaluated, and the functional significance of this variant is currently unknown. In summary, the available evidence is currently insufficient to determine the role of this variant in disease. Therefore, it has been classified as a Variant of Uncertain Significance.

Fulgent Genetics
Classification: Uncertain significance for Glucocorticoid-remediable aldosteronism; Deficiency of steroid 11-beta-monooxygenase. Last evaluated: 2022-01-27. Review status: criteria provided, single submitter. Criteria: ACMG Guidelines, 2015. Collection method: clinical testing. Allele origin: unknown.

Counsyl
Classification: Uncertain significance for Deficiency of steroid 11-beta-monooxygenase. Last evaluated: 2017-01-05. Review status: no assertion criteria provided. Collection method: clinical testing. Allele origin: unknown. Not counted in ClinVar's aggregate classification.